The following is an entry in ClinVar:

ClinVar aggregate classification (germline): Uncertain significance. Review status: criteria provided, multiple submitters, no conflicts (2 of 4 stars). 2 submissions from 2 submitters: Uncertain significance (2). Last evaluated 2025-10-15.

Conditions:
Autosomal recessive severe congenital neutropenia due to JAGN1 deficiency. Also called: Severe congenital neutropenia 6, autosomal recessive. Identifiers: Orphanet 423384, MedGen C4014954, MONDO:0014456, OMIM 616022.

Submissions (2):

Labcorp Genetics (formerly Invitae), Labcorp
Classification: Uncertain significance for Autosomal recessive severe congenital neutropenia due to JAGN1 deficiency. Last evaluated: 2025-10-15. Review status: criteria provided, single submitter. Criteria: Invitae Variant Classification Sherloc (09022015). Collection method: clinical testing. Allele origin: germline.
Comment: This sequence change creates a premature translational stop signal (p.Leu87Glyfs*11) in the JAGN1 gene. While this is not anticipated to result in nonsense mediated decay, it is expected to disrupt the last 97 amino acid(s) of the JAGN1 protein. This variant is present in population databases (no rsID available, gnomAD 0.03%). This variant has not been reported in the literature in individuals affected with JAGN1-related conditions. Experimental studies and prediction algorithms are not available or were not evaluated, and the functional significance of this variant is currently unknown. In summary, the available evidence is currently insufficient to determine the role of this variant in disease. Therefore, it has been classified as a Variant of Uncertain Significance.

GeneDx
Classification: Uncertain significance. Last evaluated: 2021-05-14. Review status: criteria provided, single submitter. Criteria: GeneDx Variant Classification Process June 2021. Collection method: clinical testing. Allele origin: germline. Affected: yes.
Comment: Frameshift variant in the C-terminus predicted to result in protein truncation, as the last 97 amino acids are lost and replaced with 10 incorrect amino acids; Has not been previously published as pathogenic or benign to our knowledge

NM_032492.4(JAGN1):c.258_259del (p.Leu87fs)

Gene: JAGN1 (jagunal vesicle mediated transporter 1; plus strand). Cytogenetic location: 3p25.3.
Variant type: Microsatellite.
Coding change: c.258_259del on transcript NM_032492.4 (MANE Select); coding-DNA positions 258 to 259, 2 bases deleted (CT; older notation c.258_259delCT).
Protein change: p.Leu87fs; shifts the reading frame from leucine 87.
Molecular consequence: frameshift variant.
Genome position (GRCh38, 1-based): chr3:9,893,083-9,893,084, CT deleted; deleting any 2 consecutive bases within chr3:9,893,077-9,893,084 gives the same sequence; the c. name uses the placement nearest the transcript's 3' end. VCF-style (leftmost placement, unchanged base first): chr3-9893076-CCT-C. GRCh37 (hg19) VCF-style: chr3-9934760-CCT-C.
Other names: c.96_97del, p.Leu33fs (NM_001363890.1); short protein forms L33fs, L87fs.
Identifiers: ClinVar variation 1205600 (VCV001205600.8), dbSNP rs1232664557, ClinGen allele CA541212481.